The following is an entry in ClinVar:

ClinVar aggregate classification (germline): Conflicting classifications of pathogenicity. Review status: criteria provided, conflicting classifications (1 of 4 stars). 2 submissions from 2 submitters: Uncertain significance (1); Likely benign (1). Last evaluated 2025-09-14.

Conditions:
Cardiomyopathy (CMYO). Also called: Cardiomyopathies. Identifiers: Orphanet 167848, MedGen C0878544, MONDO:0004994, HP:0001638. Inheritance: Various modes of inheritance.
Catecholaminergic polymorphic ventricular tachycardia 1. Also called: VENTRICULAR TACHYCARDIA, STRESS-INDUCED POLYMORPHIC 1; VENTRICULAR TACHYCARDIA, CATECHOLAMINERGIC POLYMORPHIC, 1, WITH OR WITHOUT ATRIAL DYSFUNCTION AND/OR DILATED CARDIOMYOPATHY; RYR2-Related Catecholaminergic Polymorphic Ventricular Tachycardia. Identifiers: Orphanet 3286, MedGen C1631597, MONDO:0011484, OMIM 604772.

Allele frequency attached by ClinVar (database versions not stated): ExAC 0.00001; gnomAD 0.00001; gnomAD exomes 0.00001; TOPMed 0.00001.
gnomAD v4.1: 10 of 1,611,644 alleles (0.00062%); highest among the groups gnomAD compares: East Asian, 0.016%; no homozygotes.

Submissions (2):

Labcorp Genetics (formerly Invitae), Labcorp
Classification: Likely benign for Catecholaminergic polymorphic ventricular tachycardia 1. Last evaluated: 2025-09-14. Review status: criteria provided, single submitter. Criteria: Invitae Variant Classification Sherloc (09022015). Collection method: clinical testing. Allele origin: germline.

Color Diagnostics, LLC DBA Color Health
Classification: Uncertain significance for Cardiomyopathy. Last evaluated: 2025-08-25. Review status: criteria provided, single submitter. Criteria: ACMG Guidelines, 2015. Collection method: clinical testing. Allele origin: germline.
Comment: This missense variant replaces threonine with alanine at codon 4467 of the RYR2 protein. Computational prediction suggests that this variant may not impact protein structure and function. To our knowledge, functional studies have not been reported for this variant. This variant has not been reported in individuals affected with RYR2-related disorders in the literature. This variant has been identified in 3/244898 chromosomes in the general population by the Genome Aggregation Database (gnomAD). The available evidence is insufficient to determine the role of this variant in disease conclusively. Therefore, this variant is classified as a Variant of Uncertain Significance.

NM_001035.3(RYR2):c.13399A>G (p.Thr4467Ala)

Gene: RYR2 (ryanodine receptor 2; plus strand). Cytogenetic location: 1q43.
Variant type: single nucleotide variant.
Coding change: c.13399A>G on transcript NM_001035.3 (MANE Select); coding-DNA position 13399, A replaced by G.
Protein change: p.Thr4467Ala; replaces threonine 4467 with alanine.
Molecular consequence: missense variant.
Genome position (GRCh38, 1-based): chr1:237,788,058, A>G. VCF-style: chr1-237788058-A-G. GRCh37 (hg19) VCF-style: chr1-237951358-A-G.
Other names: short protein forms T4467A.
Identifiers: ClinVar variation 1446221 (VCV001446221.11), dbSNP rs774270919, ClinGen allele CA085364.
Genomic context (GRCh38, chr1:237,788,058, plus strand): 5'-GGAGAAAAAGAAGAGAAAGCCAAGGAAGACAAGGGCAAACAAAAGTTGAGGCAGCTTCAC[A>G]CACACAGATACGGAGAACCAGAAGTGCCAGAGTCAGCATTCTGGAAGAAAATCATAGCAT-3'
Protein context (NP_001026.2, residues 4457-4477): KGKQKLRQLH[Thr4467Ala]HRYGEPEVPE